The following is an entry in ClinVar:

NM_000334.4(SCN4A):c.2023C>G (p.Arg675Gly)

Genes: GH-LCR (growth hormone locus control region; plus strand), SCN4A (sodium voltage-gated channel alpha subunit 4; minus strand). Cytogenetic location: 17q23.3.
Variant type: single nucleotide variant.
Coding change: c.2023C>G on transcript NM_000334.4 (MANE Select); coding-DNA position 2023, C replaced by G.
Protein change: p.Arg675Gly; replaces arginine 675 with glycine.
Molecular consequence: missense variant.
Genome position (GRCh38, 1-based): chr17:63,957,515, G>C on the plus strand (C>G on the coding strand, the complement: SCN4A is on the minus strand). VCF-style: chr17-63957515-G-C. GRCh37 (hg19) VCF-style: chr17-62034875-G-C.
Other names: short protein forms R675G.
Identifiers: ClinVar variation 5918 (VCV000005918.75), dbSNP rs121908556, ClinGen allele CA117850.
Genomic context (GRCh38, chr17:63,957,515, plus strand): 5'-TGCCAATGATCTTGATGAGCATGTTCAGCGTTGGCCACGACTTGGCCAGCTTGAAGACCC[G>C]CAGCTGCCAAGCAGGGAGGGCAAGGGTGAATGAGGCCCAGGGACCACCACCCAAGGCAGC-3'
Protein context (NP_000325.4, residues 665-685): LSVLRSFRLL[Arg675Gly]VFKLAKSWPT

ClinVar aggregate classification (germline): Pathogenic/Likely pathogenic. Review status: criteria provided, multiple submitters, no conflicts (2 of 4 stars). 7 submissions from 7 submitters: Pathogenic (4); Likely pathogenic (1). 2 of the submissions do not count toward it. Last evaluated 2025-09-02.

Conditions:
SCN4A-related disorder. Also called: SCN4A-related disorders.
Normokalemic periodic paralysis, potassium-sensitive. Identifiers: MedGen C1868433.
Hyperkalemic periodic paralysis. Also called: Gamstorp disease; Familial hyperkalemic periodic paralysis. Identifiers: Orphanet 682, MedGen C0238357, MONDO:0008224, OMIM 170500, HP:0007215.
Abnormality of the musculature. Identifiers: MedGen C4021745, HP:0003011.

Submissions (7):

Labcorp Genetics (formerly Invitae), Labcorp
Classification: Pathogenic for Hyperkalemic periodic paralysis. Last evaluated: 2025-09-02. Review status: criteria provided, single submitter. Criteria: Invitae Variant Classification Sherloc (09022015). Collection method: clinical testing. Allele origin: germline.
Comment: This sequence change replaces arginine, which is basic and polar, with glycine, which is neutral and non-polar, at codon 675 of the SCN4A protein (p.Arg675Gly). This variant is not present in population databases (gnomAD no frequency). This missense change has been observed in individual(s) with hyperkalemic periodic paralysis and potassium-sensitive normokalemic periodic paralysis and hyperkalemic periodic paralysis (PMID: 15596759, 22926674, 23516313). In at least one individual the variant was observed to be de novo. It has also been observed to segregate with disease in related individuals. ClinVar contains an entry for this variant (Variation ID: 5918). Invitae Evidence Modeling of protein sequence and biophysical properties (such as structural, functional, and spatial information, amino acid conservation, physicochemical variation, residue mobility, and thermodynamic stability) indicates that this missense variant is expected to disrupt SCN4A protein function with a positive predictive value of 95%. Experimental studies have shown that this missense change affects SCN4A function (PMID: 19052238). For these reasons, this variant has been classified as Pathogenic.

Blueprint Genetics
Classification: Pathogenic for SCN4A-related disorders. Last evaluated: 2024-11-21. Review status: criteria provided, single submitter. Criteria: ACMG Guidelines, 2015. Collection method: clinical testing. Allele origin: germline. Affected: yes. Observed: 3 variant alleles.

MGZ Medical Genetics Center
Classification: Pathogenic for Hyperkalemic periodic paralysis. Last evaluated: 2022-04-12. Review status: criteria provided, single submitter. Criteria: ACMG Guidelines, 2015. Collection method: clinical testing. Allele origin: germline. Affected: yes. Observed: 1 variant allele.
Comment: ACMG criteria applied: PS3, PM6, PP1_MOD, PM2_SUP, PP3

Kariminejad - Najmabadi Pathology & Genetics Center
Classification: Likely pathogenic for Abnormality of the musculature. Last evaluated: 2021-07-10. Review status: criteria provided, single submitter. Criteria: ACMG Guidelines, 2015. Collection method: clinical testing. Allele origin: germline. Affected: yes.

CeGaT Center for Human Genetics Tuebingen
Classification: Pathogenic. Last evaluated: 2020-03-01. Review status: criteria provided, single submitter. Criteria: CeGaT Center For Human Genetics Tuebingen Variant Classification Criteria Version 2. Collection method: clinical testing. Allele origin: germline. Affected: yes. Observed: 2 variant alleles.

OMIM
Classification: Pathogenic for NORMOKALEMIC PERIODIC PARALYSIS, POTASSIUM-SENSITIVE. Last evaluated: 2004-12-14. Review status: no assertion criteria provided. Collection method: literature only. Allele origin: germline. Not counted in ClinVar's aggregate classification.

GeneReviews
No classification provided. Condition: Hyperkalemic periodic paralysis. Review status: no classification provided. Collection method: literature only. Allele origin: germline. Affected: yes. Not counted in ClinVar's aggregate classification.

Literature cited by the submitters: PubMed 15596759 (cited by 3 submitters); PubMed 22926674 (cited by Labcorp Genetics (formerly Invitae), Labcorp); PubMed 23516313 (cited by Labcorp Genetics (formerly Invitae), Labcorp); PubMed 19052238 (cited by Labcorp Genetics (formerly Invitae), Labcorp); NCBI Bookshelf NBK1496 (cited by GeneReviews).